The following is an entry in ClinVar:

NM_001098.3(ACO2):c.86G>C (p.Arg29Pro)

Gene: ACO2 (aconitase 2; plus strand). Cytogenetic location: 22q13.2.
Variant type: single nucleotide variant.
Coding change: c.86G>C on transcript NM_001098.3 (MANE Select); coding-DNA position 86, G replaced by C.
Protein change: p.Arg29Pro; replaces arginine 29 with proline.
Molecular consequence: missense variant.
Genome position (GRCh38, 1-based): chr22:41,499,775, G>C. VCF-style: chr22-41499775-G-C. GRCh37 (hg19) VCF-style: chr22-41895779-G-C.
Other names: short protein forms R29P.
Identifiers: ClinVar variation 1469650 (VCV001469650.8), dbSNP rs756554049, ClinGen allele CA411711676.
Genomic context (GRCh38, chr22:41,499,775, plus strand): 5'-TCTTCTTGCAGAAAGCTCTGGGTGTGCGGCAGTACCATGTGGCCTCAGTCCTGTGCCAAC[G>C]GGCCAAGGTGGCGATGAGCCACTTTGAGCCCAACGAGTACATCCATTATGACCTGCTAGA-3'
Protein context (NP_001089.1, residues 19-39): QYHVASVLCQ[Arg29Pro]AKVAMSHFEP

ClinVar aggregate classification (germline): Uncertain significance (1 of 4 stars; one submission).

Submission:

Labcorp Genetics (formerly Invitae), Labcorp
Classification: Uncertain significance. Last evaluated: 2024-12-09. Review status: criteria provided, single submitter. Criteria: Invitae Variant Classification Sherloc (09022015). Collection method: clinical testing. Allele origin: germline.
Comment: This sequence change replaces arginine, which is basic and polar, with proline, which is neutral and non-polar, at codon 29 of the ACO2 protein (p.Arg29Pro). This variant is not present in population databases (gnomAD no frequency). This variant has not been reported in the literature in individuals affected with ACO2-related conditions. ClinVar contains an entry for this variant (Variation ID: 1469650). An algorithm developed to predict the effect of missense changes on protein structure and function (PolyPhen-2) suggests that this variant is likely to be tolerated. In summary, the available evidence is currently insufficient to determine the role of this variant in disease. Therefore, it has been classified as a Variant of Uncertain Significance.